The following is an entry in ClinVar:

ClinVar aggregate classification (germline): Uncertain significance (1 of 4 stars; one submission).

Conditions:
Gorlin syndrome. Also called: Basal cell nevus syndrome; Nevoid Basal Cell Carcinoma Syndrome. Identifiers: Orphanet 377, MedGen C0004779, MONDO:0007187.

Allele frequency attached by ClinVar (database versions not stated): ExAC 0.00002.
gnomAD v4.1: 6 of 1,613,960 alleles (0.00037%); highest among the groups gnomAD compares: Admixed American, 0.005%; no homozygotes.

Submission:

Labcorp Genetics (formerly Invitae), Labcorp
Classification: Uncertain significance for Gorlin syndrome. Last evaluated: 2023-02-03. Review status: criteria provided, single submitter. Criteria: Invitae Variant Classification Sherloc (09022015). Collection method: clinical testing. Allele origin: germline.
Comment: In summary, the available evidence is currently insufficient to determine the role of this variant in disease. Therefore, it has been classified as a Variant of Uncertain Significance. Advanced modeling of protein sequence and biophysical properties (such as structural, functional, and spatial information, amino acid conservation, physicochemical variation, residue mobility, and thermodynamic stability) performed at Invitae indicates that this missense variant is not expected to disrupt PTCH2 protein function. ClinVar contains an entry for this variant (Variation ID: 836788). This variant has not been reported in the literature in individuals affected with PTCH2-related conditions. This variant is present in population databases (rs745750666, gnomAD 0.006%). This sequence change replaces arginine, which is basic and polar, with glycine, which is neutral and non-polar, at codon 779 of the PTCH2 protein (p.Arg779Gly).

NM_003738.5(PTCH2):c.2335C>G (p.Arg779Gly)

Gene: PTCH2 (patched 2; minus strand). Cytogenetic location: 1p34.1.
Variant type: single nucleotide variant.
Coding change: c.2335C>G on transcript NM_003738.5 (MANE Select); coding-DNA position 2335, C replaced by G.
Protein change: p.Arg779Gly; replaces arginine 779 with glycine.
Molecular consequence: missense variant.
Genome position (GRCh38, 1-based): chr1:44,827,438, G>C on the plus strand (C>G on the coding strand, the complement: PTCH2 is on the minus strand). VCF-style: chr1-44827438-G-C. GRCh37 (hg19) VCF-style: chr1-45293110-G-C.
Other names: c.2335C>G, p.Arg779Gly (NM_001166292.2); short protein forms R779G.
Identifiers: ClinVar variation 836788 (VCV000836788.10), dbSNP rs745750666, ClinGen allele CA823052.